The following is an entry in ClinVar:

NM_153033.5(KCTD7):c.104_115del (p.Ala35_Ala38del)

Genes: KCTD7 (potassium channel tetramerization domain containing 7; plus strand), LOC129998533 (ATAC-STARR-seq lymphoblastoid silent region 18210; plus strand). Cytogenetic location: 7q11.21.
Variant type: Deletion.
Coding change: c.104_115del on transcript NM_153033.5 (MANE Select); coding-DNA positions 104 to 115, 12 bases deleted (CCACGCAGGCGG).
Protein change: p.Ala35_Ala38del.
Molecular consequence: inframe deletion.
Genome position (GRCh38, 1-based): chr7:66,629,168-66,629,179, CCACGCAGGCGG deleted; deleting any 12 consecutive bases within chr7:66,629,165-66,629,179 gives the same sequence; the c. name uses the placement nearest the transcript's 3' end. VCF-style (leftmost placement, unchanged base first): chr7-66629164-ACGGCCACGCAGG-A. GRCh37 (hg19) VCF-style: chr7-66094151-ACGGCCACGCAGG-A.
Other names: c.104_115delCCACGCAGGCGG (NM_153033.4); c.104_115del, p.Ala35_Ala38del (NM_001167961.2).
Identifiers: ClinVar variation 566683 (VCV000566683.4), dbSNP rs778647590, ClinGen allele CA4278162.

ClinVar aggregate classification (germline): Uncertain significance (1 of 4 stars; one submission).

Conditions:
Progressive myoclonic epilepsy type 3. Also called: EPILEPSY, PROGRESSIVE MYOCLONIC, 3, WITH OR WITHOUT INTRACELLULAR INCLUSIONS; CEROID LIPOFUSCINOSIS, NEURONAL, 14; EPILEPSY, PROGRESSIVE MYOCLONIC, 3, WITHOUT INTRACELLULAR INCLUSIONS; KCTD7-Related Progressive Myoclonic Epilepsy. Identifiers: Orphanet 263516, MedGen C2673257, MONDO:0012721, OMIM 611726.

Submission:

Labcorp Genetics (formerly Invitae), Labcorp
Classification: Uncertain significance for Progressive myoclonic epilepsy type 3. Last evaluated: 2024-06-24. Review status: criteria provided, single submitter. Criteria: Invitae Variant Classification Sherloc (09022015). Collection method: clinical testing. Allele origin: germline.
Comment: This variant, c.104_115del, results in the deletion of 4 amino acid(s) of the KCTD7 protein (p.Ala35_Ala38del), but otherwise preserves the integrity of the reading frame. This variant is present in population databases (rs778647590, gnomAD 0.02%). This variant has not been reported in the literature in individuals affected with KCTD7-related conditions. ClinVar contains an entry for this variant (Variation ID: 566683). Experimental studies and prediction algorithms are not available or were not evaluated, and the functional significance of this variant is currently unknown. In summary, the available evidence is currently insufficient to determine the role of this variant in disease. Therefore, it has been classified as a Variant of Uncertain Significance.